The following is an entry in ClinVar:

ClinVar aggregate classification (germline): Uncertain significance (1 of 4 stars; one submission).

Submission:

Dasa
Classification: Uncertain significance. Last evaluated: 2025-09-05. Review status: criteria provided, single submitter. Criteria: DASA Assertion Criteria. Collection method: clinical testing. Allele origin: germline.
Comment: NM_000937.5(POLR2A):c.5072G>T (p.Ser1691Ile) is a missense variant that results in the substitution of serine with isoleucine. This variant is absent from population databases. Computational prediction algorithms are consistent with a benign effect. The currently available literature and clinical evidence are not sufficient to establish a definitive association between this variant and the reported condition. Therefore, this variant is classified as a variant of uncertain significance.

NM_000937.5(POLR2A):c.5072G>T (p.Ser1691Ile)

Gene: POLR2A (RNA polymerase II subunit A; plus strand). Cytogenetic location: 17p13.1.
Variant type: single nucleotide variant.
Coding change: c.5072G>T on transcript NM_000937.5 (MANE Select); coding-DNA position 5072, G replaced by T.
Protein change: p.Ser1691Ile; replaces serine 1691 with isoleucine.
Molecular consequence: missense variant.
Genome position (GRCh38, 1-based): chr17:7,513,336, G>T. VCF-style: chr17-7513336-G-T. GRCh37 (hg19) VCF-style: chr17-7416655-G-T.
Other names: short protein forms S1691I.
Identifiers: ClinVar variation 4883413 (VCV004883413.2).